The following is an entry in ClinVar:

ClinVar aggregate classification (germline): Pathogenic (1 of 4 stars; one submission).

Conditions:
Mucopolysaccharidosis, MPS-II (MPS2). Also called: Hunter Syndrome; IDURONATE 2-SULFATASE DEFICIENCY; Mucopolysaccharidosis Type II; Mucopolysaccharidosis type 2; Attenuated MPS (subtype; formerly known as mild MPS II); Severe MPS II. Identifiers: Orphanet 580, Orphanet 79388, MedGen C0026705, MONDO:0010674, OMIM 309900.

Submission:

Laboratory of Diagnosis and Therapy of Lysosomal Disorders, University of Padova
Classification: Pathogenic for Mucopolysaccharidosis, MPS-II. Last evaluated: 2024-06-07. Review status: criteria provided, single submitter. Criteria: ACMG Guidelines, 2015. Collection method: literature only. Allele origin: germline. Affected: yes. Observed: 1 variant allele.
Comment: Null variant (PVS1_VeryStrong), Absent from controls (or at low frequency) in gnomAD database (PM2_Moderate), Patient’s phenotype or family history highly specific for the disease (PP4_Strong)

Classification method: ACMG Guidelines [PMID:25741868] with modifications

Literature cited by the submitters: PubMed 25681085.

NM_000202.8(IDS):c.549_564dup (p.Asp190fs)

Genes: IDS (iduronate 2-sulfatase; minus strand), LOC106050102 (IDS recombination region; plus strand). Cytogenetic location: Xq28.
Variant type: Duplication.
Coding change: c.549_564dup on transcript NM_000202.8 (MANE Select); coding-DNA positions 549 to 564, 16 bases duplicated (TTGCCCTGTGGATGTG).
Protein change: p.Asp190fs; shifts the reading frame from aspartic acid 190.
Molecular consequence: frameshift variant. On other transcripts: non-coding transcript variant (1).
Genome position (GRCh38, 1-based): chrX:149,498,251-149,498,266, CACATCCACAGGGCAA duplicated on the plus strand (TTGCCCTGTGGATGTG on the coding strand, the reverse complement: IDS is on the minus strand). VCF-style (leftmost placement, unchanged base first): chrX-149498250-G-GCACATCCACAGGGCAA. GRCh37 (hg19) VCF-style: chrX-148579781-G-GCACATCCACAGGGCAA.
Other names: c.279_294dup, p.Asp100fs (NM_001166550.4); c.549_564dup, p.Asp190fs (NM_006123.5); short protein forms D100fs, D190fs.
Identifiers: ClinVar variation 3255765 (VCV003255765.2).
Genomic context (GRCh38, chrX:149,498,250, plus strand): 5'-ACAACTGTATGGCTTGCTCAGTGCTCTGTTTGTCAGGCAAGGTGCCCTCGGGAACATCCA[G>GCACATCCACAGGGCAA]CACATCCACAGGGCAAAGCAGGTTGGCATGGAGTTCTCCATCTGGCCCTCGACATGTCTT-3'